The following is an entry in ClinVar:

NM_001377540.1(SLMAP):c.480G>C (p.Met160Ile)

Gene: SLMAP (sarcolemma associated protein; plus strand). Cytogenetic location: 3p14.3.
Variant type: single nucleotide variant.
Coding change: c.480G>C on transcript NM_001377540.1 (MANE Select); coding-DNA position 480, G replaced by C.
Protein change: p.Met160Ile; replaces methionine 160 with isoleucine.
Molecular consequence: missense variant. On other transcripts: non-coding transcript variant (1).
Genome position (GRCh38, 1-based): chr3:57,849,777, G>C. VCF-style: chr3-57849777-G-C. GRCh37 (hg19) VCF-style: chr3-57835504-G-C.
Other names: c.480G>C, p.Met160Ile (NM_001304420.3, NM_001304421.2, NM_001377538.1 and 17 more transcripts); c.480G>C (NM_007159.2); short protein forms M160I.
Identifiers: ClinVar variation 1520305 (VCV001520305.9), dbSNP rs770086716, ClinGen allele CA2466846.
Genomic context (GRCh38, chr3:57,849,777, plus strand): 5'-AAGTGTTTTCTGTTGATACTGTGTCATTTGTTTCTAGGTTGCTGCTAACACTCCAAGTAT[G>C]TACTCTCAGGAACTATTCCAGCTTTCTCAGTATCTACAGGTAAAAGTACATCTTGAGACT-3'
Protein context (NP_001364469.1, residues 150-170): VDKVAANTPS[Met160Ile]YSQELFQLSQ

ClinVar aggregate classification (germline): Uncertain significance. Review status: criteria provided, multiple submitters, no conflicts (2 of 4 stars). 2 submissions from 2 submitters: Uncertain significance (2). Last evaluated 2025-10-29.

Conditions:
Brugada syndrome. Also called: Sudden unexpected nocturnal death syndrome; Sudden unexplained nocturnal death syndrome; Sudden Unexplained Death Syndrome; Sudden Unexplained Nocturnal Death Syndrome (SUNDS). Identifiers: Orphanet 130, MedGen C1142166, MONDO:0015263.

Allele frequency attached by ClinVar (database versions not stated): gnomAD exomes 0.00001.

Submissions (2):

Labcorp Genetics (formerly Invitae), Labcorp
Classification: Uncertain significance for Brugada syndrome. Last evaluated: 2025-10-29. Review status: criteria provided, single submitter. Criteria: Invitae Variant Classification Sherloc (09022015). Collection method: clinical testing. Allele origin: germline.
Comment: This sequence change replaces methionine, which is neutral and non-polar, with isoleucine, which is neutral and non-polar, at codon 160 of the SLMAP protein (p.Met160Ile). This variant is present in population databases (rs770086716, gnomAD 0.0009%). This variant has not been reported in the literature in individuals affected with SLMAP-related conditions. ClinVar contains an entry for this variant (Variation ID: 1520305). An algorithm developed to predict the effect of missense changes on protein structure and function (PolyPhen-2) suggests that this variant is likely to be tolerated. In summary, the available evidence is currently insufficient to determine the role of this variant in disease. Therefore, it has been classified as a Variant of Uncertain Significance.

Ambry Genetics
Classification: Uncertain significance. Last evaluated: 2024-01-23. Review status: criteria provided, single submitter. Criteria: Ambry Variant Classification Scheme 2023. Collection method: clinical testing. Allele origin: germline.